The following is an entry in ClinVar:

ClinVar aggregate classification (germline): Conflicting classifications of pathogenicity. Review status: criteria provided, conflicting classifications (1 of 4 stars). 2 submissions from 2 submitters: Likely pathogenic (1); Uncertain significance (1). Last evaluated 2022-09-19.

Conditions:
PROM1-related disorder. Also called: PROM1-related condition; PROM1-related disorders.

Submissions (2):

Labcorp Genetics (formerly Invitae), Labcorp
Classification: Uncertain significance. Last evaluated: 2022-09-19. Review status: criteria provided, single submitter. Criteria: Invitae Variant Classification Sherloc (09022015). Collection method: clinical testing. Allele origin: germline.
Comment: This sequence change falls in intron 21 of the PROM1 gene. It does not directly change the encoded amino acid sequence of the PROM1 protein. Information on the frequency of this variant in the gnomAD database is not available, as this variant may be reported differently in the database. In summary, the available evidence is currently insufficient to determine the role of this variant in disease. Therefore, it has been classified as a Variant of Uncertain Significance. Algorithms developed to predict the effect of sequence changes on RNA splicing suggest that this variant may disrupt the consensus splice site. ClinVar contains an entry for this variant (Variation ID: 1020673). This variant has not been reported in the literature in individuals affected with PROM1-related conditions.

Blueprint Genetics
Classification: Likely pathogenic for PROM1-related disorders. Last evaluated: 2022-07-18. Review status: criteria provided, single submitter. Criteria: ACMG Guidelines, 2015. Collection method: clinical testing. Allele origin: germline. Affected: yes. Observed: 1 variant allele.

NM_006017.3(PROM1):c.2281-7_2281-6delinsAG

Gene: PROM1 (prominin 1; minus strand). Cytogenetic location: 4p15.32.
Variant type: Indel.
Coding change: c.2281-7_2281-6delinsAG on transcript NM_006017.3 (MANE Select); 7 bases into the intron before coding-DNA position 2281 through 6 bases into the intron before coding-DNA position 2281, CC replaced by AG.
Molecular consequence: intron variant.
Genome position (GRCh38, 1-based): chr4:15,984,361-15,984,362, GG replaced by CT on the plus strand (CC replaced by AG on the coding strand, the reverse complement: PROM1 is on the minus strand). VCF-style: chr4-15984361-GG-CT. GRCh37 (hg19) VCF-style: chr4-15985984-GG-CT.
Other names: c.2254-7_2254-6delinsAG (NM_001145848.2, NM_001145852.2, NM_001145847.2 and 4 more transcripts); c.2281-7_2281-6delinsAG (NM_001145850.2, NM_001145849.2).
Identifiers: ClinVar variation 1020673 (VCV001020673.9), dbSNP rs1718776025, ClinGen allele CA1440892982.
Genomic context (GRCh38, chr4:15,984,361, plus strand): 5'-CAGCAGTATCTAGAGCGGTGGCCACAGGTTTGCACGATGCCACTTTCTCACTGATCTAGG[GG>CT]GGTGGAAACACAGGGAAACTTTGAGCTGCATCCACAAAAACCCAAAGGAATGAGACGTGC-3'